The following is an entry in ClinVar:

ClinVar aggregate classification (germline): Uncertain significance. Review status: criteria provided, multiple submitters, no conflicts (2 of 4 stars). 2 submissions from 2 submitters: Uncertain significance (2). Last evaluated 2024-10-07.

Conditions:
Inborn genetic diseases. Identifiers: MedGen C0950123, MeSH D030342.

Allele frequency attached by ClinVar (database versions not stated): gnomAD 0.00001; ExAC 0.00002; gnomAD exomes 0.00002; ESP Exome Variant Server 0.00008.
gnomAD v4.1: 33 of 1,611,410 alleles (0.002%); highest among the groups gnomAD compares: Admixed American, 0.0033%; no homozygotes.

Submissions (2):

Ambry Genetics
Classification: Uncertain significance for Inborn genetic diseases. Last evaluated: 2024-10-07. Review status: criteria provided, single submitter. Criteria: Ambry Variant Classification Scheme 2023. Collection method: clinical testing. Allele origin: germline.

Labcorp Genetics (formerly Invitae), Labcorp
Classification: Uncertain significance. Last evaluated: 2023-10-13. Review status: criteria provided, single submitter. Criteria: Invitae Variant Classification Sherloc (09022015). Collection method: clinical testing. Allele origin: germline.
Comment: This sequence change replaces glutamic acid, which is acidic and polar, with lysine, which is basic and polar, at codon 612 of the TONSL protein (p.Glu612Lys). This variant is present in population databases (rs376621492, gnomAD 0.005%). This variant has not been reported in the literature in individuals affected with TONSL-related conditions. ClinVar contains an entry for this variant (Variation ID: 1926938). Advanced modeling of protein sequence and biophysical properties (such as structural, functional, and spatial information, amino acid conservation, physicochemical variation, residue mobility, and thermodynamic stability) performed at Invitae indicates that this missense variant is expected to disrupt TONSL protein function. In summary, the available evidence is currently insufficient to determine the role of this variant in disease. Therefore, it has been classified as a Variant of Uncertain Significance.

NM_013432.5(TONSL):c.1834G>A (p.Glu612Lys)

Genes: TONSL (tonsoku like, DNA repair protein; minus strand), TONSL-AS1 (TONSL antisense RNA 1; plus strand). Cytogenetic location: 8q24.3.
Variant type: single nucleotide variant.
Coding change: c.1834G>A on transcript NM_013432.5 (MANE Select); coding-DNA position 1834, G replaced by A.
Protein change: p.Glu612Lys; replaces glutamic acid 612 with lysine.
Molecular consequence: missense variant. On other transcripts: non-coding transcript variant (1).
Genome position (GRCh38, 1-based): chr8:144,436,813, C>T on the plus strand (G>A on the coding strand, the complement: TONSL is on the minus strand). VCF-style: chr8-144436813-C-T. GRCh37 (hg19) VCF-style: chr8-145662196-C-T.
Other names: c.1834G>A (NM_013432.4); short protein forms E612K.
Identifiers: ClinVar variation 1926938 (VCV001926938.4), dbSNP rs376621492, ClinGen allele CA4943038.
Genomic context (GRCh38, chr8:144,436,813, plus strand): 5'-TCACCTTTCGAGTGCGGAGGGTGACGGACGCCCCCCGTTCAAGCAGCAGCTCAGCCACCT[C>T]GAAGTGGCCACAGTTGAGGGCATCGTGGAGGGGGGTGATGCCTTCGCAGCCCTGGCCACC-3'
Protein context (NP_038460.4, residues 602-622): LHDALNCGHF[Glu612Lys]VAELLLERGA